The following is an entry in ClinVar:

ClinVar aggregate classification (germline): Uncertain significance (1 of 4 stars; one submission).

Conditions:
Early Myoclonic Encephalopathy. Identifiers: MedGen C0270855.

Allele frequency attached by ClinVar (database versions not stated): gnomAD exomes below 0.00001; TOPMed below 0.00001.
gnomAD v4.1: 3 of 1,612,322 alleles (0.00019%); highest among the groups gnomAD compares: Admixed American, 0.005%; no homozygotes.

Submission:

Labcorp Genetics (formerly Invitae), Labcorp
Classification: Uncertain significance for Early Myoclonic Encephalopathy. Last evaluated: 2024-07-18. Review status: criteria provided, single submitter. Criteria: Invitae Variant Classification Sherloc (09022015). Collection method: clinical testing. Allele origin: germline.
Comment: This sequence change replaces serine, which is neutral and polar, with asparagine, which is neutral and polar, at codon 2176 of the JMJD1C protein (p.Ser2176Asn). This variant is not present in population databases (gnomAD no frequency). This variant has not been reported in the literature in individuals affected with JMJD1C-related conditions. ClinVar contains an entry for this variant (Variation ID: 460268). Advanced modeling of protein sequence and biophysical properties (such as structural, functional, and spatial information, amino acid conservation, physicochemical variation, residue mobility, and thermodynamic stability) performed at Invitae indicates that this missense variant is not expected to disrupt JMJD1C protein function with a negative predictive value of 80%. In summary, the available evidence is currently insufficient to determine the role of this variant in disease. Therefore, it has been classified as a Variant of Uncertain Significance.

NM_032776.3(JMJD1C):c.6527G>A (p.Ser2176Asn)

Gene: JMJD1C (jumonji domain containing 1C; minus strand). Cytogenetic location: 10q21.3.
Variant type: single nucleotide variant.
Coding change: c.6527G>A on transcript NM_032776.3 (MANE Select); coding-DNA position 6527, G replaced by A.
Protein change: p.Ser2176Asn; replaces serine 2176 with asparagine.
Molecular consequence: missense variant. On other transcripts: non-coding transcript variant (1).
Genome position (GRCh38, 1-based): chr10:63,189,211, C>T on the plus strand (G>A on the coding strand, the complement: JMJD1C is on the minus strand). VCF-style: chr10-63189211-C-T. GRCh37 (hg19) VCF-style: chr10-64948971-C-T.
Other names: c.5981G>A, p.Ser1994Asn (NM_001282948.2, NM_001318154.2); c.5663G>A, p.Ser1888Asn (NM_001318153.2); c.6413G>A, p.Ser2138Asn (NM_001322252.2); c.5870G>A, p.Ser1957Asn (NM_001322254.2, NM_001322258.2); short protein forms S2176N, S1957N, S1888N, S1994N, S2138N.
Identifiers: ClinVar variation 460268 (VCV000460268.11), dbSNP rs1554829957, ClinGen allele CA377023570.